The following is an entry in ClinVar:

NC_000017.10:g.(?_56770004)_(56801462_?)dup

Gene: RAD51C (RAD51 paralog C; plus strand). Cytogenetic location: 17q22.
Variant type: Duplication.
Identifiers: ClinVar variation 4526427 (VCV004526427.1).

ClinVar aggregate classification (germline): Likely pathogenic (1 of 4 stars; one submission).

Conditions:
Hereditary breast ovarian cancer syndrome. Also called: Hereditary breast and ovarian cancer syndrome; BRCA1- and BRCA2-Associated Hereditary Breast and Ovarian Cancer; Hereditary breast and ovarian cancer; Hereditary breast and ovarian cancer syndrome (HBOC); Breast and ovarian cancer; Hereditary breast and/or ovarian cancer syndrome. Identifiers: Orphanet 145, MedGen C0677776, MeSH D061325, MONDO:0003582. Disease mechanism: loss of function.

Submission:

Genetics and Personalized Medicine Clinic, Tartu University Hospital
Classification: Likely pathogenic for Hereditary breast ovarian cancer syndrome. Last evaluated: 2020-09-04. Review status: criteria provided, single submitter. Criteria: ACMG Guidelines, 2015. Collection method: clinical testing. Allele origin: germline. Affected: yes. Observed: 2 variant alleles.
Comment: This duplication likely disrupts the BRIP1 gene, leading to abnormal gene function. Loss-of-function variants in BRIP1 are a recognized cause of hereditary ovarian cancer, and large exon-spanning duplications are generally classified as pathogenic under ACMG guidelines.